The following is an entry in ClinVar:

ClinVar aggregate classification (germline): Likely pathogenic. Review status: criteria provided, multiple submitters, no conflicts (2 of 4 stars). 2 submissions from 2 submitters: Likely pathogenic (2). Last evaluated 2023-09-12.

Conditions:
Hepatic veno-occlusive disease-immunodeficiency syndrome. Also called: Hepatic Veno-Occlusive Disease with Immunodeficiency. Identifiers: Orphanet 79124, MedGen C1856128, MONDO:0009338, OMIM 235550. Disease mechanism: loss of function.

Allele frequency attached by ClinVar (database versions not stated): gnomAD exomes below 0.00001.
gnomAD v4.1: 3 of 1,614,092 alleles (0.00019%); highest among the groups gnomAD compares: Middle Eastern, 0.016%; no homozygotes.

Submissions (2):

Revvity Omics, Revvity
Classification: Likely pathogenic for Hepatic veno-occlusive disease-immunodeficiency syndrome. Last evaluated: 2023-09-12. Review status: criteria provided, single submitter. Criteria: ACMG Guidelines, 2015. Collection method: clinical testing. Allele origin: germline.

Labcorp Genetics (formerly Invitae), Labcorp
Classification: Likely pathogenic for Hepatic veno-occlusive disease-immunodeficiency syndrome. Last evaluated: 2023-01-22. Review status: criteria provided, single submitter. Criteria: Invitae Variant Classification Sherloc (09022015). Collection method: clinical testing. Allele origin: germline.
Comment: This variant has not been reported in the literature in individuals affected with SP110-related conditions. In summary, the currently available evidence indicates that the variant is pathogenic, but additional data are needed to prove that conclusively. Therefore, this variant has been classified as Likely Pathogenic. Algorithms developed to predict the effect of sequence changes on RNA splicing suggest that this variant may disrupt the consensus splice site. This variant is not present in population databases (gnomAD no frequency). This sequence change affects an acceptor splice site in intron 16 of the SP110 gene. It is expected to disrupt RNA splicing. Variants that disrupt the donor or acceptor splice site typically lead to a loss of protein function (PMID: 16199547), and loss-of-function variants in SP110 are known to be pathogenic (PMID: 16648851, 22621957).

Literature cited by the submitters: PubMed 16199547 (cited by Labcorp Genetics (formerly Invitae), Labcorp); PubMed 16648851 (cited by Labcorp Genetics (formerly Invitae), Labcorp); PubMed 22621957 (cited by Labcorp Genetics (formerly Invitae), Labcorp).

NM_080424.4(SP110):c.1888-2A>G

Gene: SP110 (SP110 nuclear body protein; minus strand). Cytogenetic location: 2q37.1.
Variant type: single nucleotide variant.
Coding change: c.1888-2A>G on transcript NM_080424.4 (MANE Select); the canonical splice acceptor site of the intron before coding-DNA position 1888, A replaced by G.
Molecular consequence: splice acceptor variant. On other transcripts: intron variant (1).
Genome position (GRCh38, 1-based): chr2:230,170,763, T>C on the plus strand (A>G on the coding strand, the complement: SP110 is on the minus strand). VCF-style: chr2-230170763-T-C. GRCh37 (hg19) VCF-style: chr2-231035479-T-C.
Other names: c.1816-2A>G (NM_004509.4, NM_004509.5); c.1833+1303A>G (NM_001378446.1); c.1834-2A>G (NM_001378445.1); c.1984-2A>G (NM_001378442.1); c.1906-2A>G (NM_001378444.1); c.1966-2A>G (NM_001378443.1).
Identifiers: ClinVar variation 2852086 (VCV002852086.4), dbSNP rs2469387688, ClinGen allele CA350898407.
Genomic context (GRCh38, chr2:230,170,763, plus strand): 5'-CTTTCCTTAACCAGGTCCAACCACATTGCTTCCTGAAAGGGCTCACCGTAATCTCGAATC[T>C]TGGGGACAAAGCCACCAGAGGTGACGTTAGCACAGCTGTCATCACTGGAATGGATCCAAC-3'